The following is an entry in ClinVar:

ClinVar aggregate classification (germline): Uncertain significance. Review status: criteria provided, multiple submitters, no conflicts (2 of 4 stars). 2 submissions from 2 submitters: Uncertain significance (2). Last evaluated 2023-01-20.

gnomAD v4.1: 18 of 1,613,530 alleles (0.0011%); highest among the groups gnomAD compares: Non-Finnish European, 0.0015%; no homozygotes.

Submissions (2):

Labcorp Genetics (formerly Invitae), Labcorp
Classification: Uncertain significance. Last evaluated: 2023-01-20. Review status: criteria provided, single submitter. Criteria: Invitae Variant Classification Sherloc (09022015). Collection method: clinical testing. Allele origin: germline.
Comment: This variant is not present in population databases (gnomAD no frequency). This sequence change replaces asparagine, which is neutral and polar, with lysine, which is basic and polar, at codon 330 of the RASGRP2 protein (p.Asn330Lys). This missense change has been observed in individual(s) with RASGRP2-related conditions (PMID: 28637664). In summary, the available evidence is currently insufficient to determine the role of this variant in disease. Therefore, it has been classified as a Variant of Uncertain Significance. Advanced modeling of protein sequence and biophysical properties (such as structural, functional, and spatial information, amino acid conservation, physicochemical variation, residue mobility, and thermodynamic stability) performed at Invitae indicates that this missense variant is expected to disrupt RASGRP2 protein function.

Blueprint Genetics
Classification: Uncertain significance. Last evaluated: 2021-10-21. Review status: criteria provided, single submitter. Criteria: ACMG Guidelines, 2015. Collection method: clinical testing. Allele origin: germline.

Literature cited by the submitters: PubMed 28637664 (cited by Labcorp Genetics (formerly Invitae), Labcorp).

NM_001098671.2(RASGRP2):c.990C>G (p.Asn330Lys)

Gene: RASGRP2 (RAS guanyl releasing protein 2; minus strand). Cytogenetic location: 11q13.1.
Variant type: single nucleotide variant.
Coding change: c.990C>G on transcript NM_001098671.2 (MANE Select); coding-DNA position 990, C replaced by G.
Protein change: p.Asn330Lys; replaces asparagine 330 with lysine.
Molecular consequence: missense variant.
Genome position (GRCh38, 1-based): chr11:64,736,858, G>C on the plus strand (C>G on the coding strand, the complement: RASGRP2 is on the minus strand). VCF-style: chr11-64736858-G-C. GRCh37 (hg19) VCF-style: chr11-64504330-G-C.
Other names: c.990C>G, p.Asn330Lys (NM_001098670.2, NM_153819.2); c.555C>G, p.Asn185Lys (NM_001318398.2); short protein forms N330K, N185K.
Identifiers: ClinVar variation 2735638 (VCV002735638.4), dbSNP rs199792530, ClinGen allele CA223891429.